The following is an entry in ClinVar:

ClinVar aggregate classification (germline): Pathogenic. Review status: criteria provided, single submitter (1 of 4 stars). 2 submissions from 2 submitters: Pathogenic (1). 1 of the submissions does not count toward it. Last evaluated 2018-03-21.

Conditions:
Marfan syndrome (MFS). Also called: Marfan syndrome type 1; Marfan syndrome, classic; Marfan's syndrome; FBN1-Related Marfan Syndrome; MARFAN SYNDROME, TYPE I. Identifiers: Orphanet 284963, Orphanet 558, MedGen C0024796, MONDO:0007947, OMIM 154700.

Submissions (2):

GeneDx
Classification: Pathogenic. Last evaluated: 2018-03-21. Review status: criteria provided, single submitter. Criteria: GeneDx Variant Classification (06012015). Collection method: clinical testing. Allele origin: germline. Affected: yes.
Comment: The C1265X variant in the FBN1 gene has been reported in a father and son who both fulfilled Ghent diagnostic criteria for Marfan syndrome (Latasiewicz et al., 2016). C1265X is predicted to cause loss of normal protein function either by protein truncation or nonsense-mediated mRNA decay. Other nonsense variants in the FBN1 gene have been reported in the Human Gene Mutation Database in association with Marfan syndrome and other FBN1-related disorders (Stenson et al., 2014). Furthermore, the C1265X variant is not observed in large population cohorts (Lek et al., 2016).

Center for Medical Genetics Ghent, University of Ghent
Classification: Pathogenic for Marfan syndrome. Last evaluated: 2017-11-07. Review status: no assertion criteria provided. Collection method: clinical testing. Allele origin: germline. Affected: yes. Not counted in ClinVar's aggregate classification.

NM_000138.5(FBN1):c.3795T>A (p.Cys1265Ter)

Gene: FBN1 (fibrillin 1; minus strand). Cytogenetic location: 15q21.1.
Variant type: single nucleotide variant.
Coding change: c.3795T>A on transcript NM_000138.5 (MANE Select); coding-DNA position 3795, T replaced by A.
Protein change: p.Cys1265Ter; replaces cysteine 1265 with a stop codon.
Molecular consequence: nonsense.
Genome position (GRCh38, 1-based): chr15:48,483,861, A>T on the plus strand (T>A on the coding strand, the complement: FBN1 is on the minus strand). VCF-style: chr15-48483861-A-T. GRCh37 (hg19) VCF-style: chr15-48776058-A-T.
Other names: short protein forms C1265*.
Identifiers: ClinVar variation 523795 (VCV000523795.2), dbSNP rs1555398278, ClinGen allele CA392323784.